The following is an entry in ClinVar:

ClinVar aggregate classification (germline): Uncertain significance (1 of 4 stars; one submission).

Submission:

CeGaT Center for Human Genetics Tuebingen
Classification: Uncertain significance. Last evaluated: 2022-07-01. Review status: criteria provided, single submitter. Criteria: CeGaT Center For Human Genetics Tuebingen Variant Classification Criteria Version 2. Collection method: clinical testing. Allele origin: germline. Affected: yes. Observed: 1 variant allele.
Comment: KANK1: PM2

NM_015158.5(KANK1):c.3755del (p.Gly1252fs)

Gene: KANK1 (KN motif and ankyrin repeat domains 1; plus strand). Cytogenetic location: 9p24.3.
Variant type: Deletion.
Coding change: c.3755del on transcript NM_015158.5 (MANE Select); coding-DNA position 3755, one base deleted (G; older notation c.3755delG).
Protein change: p.Gly1252fs; shifts the reading frame from glycine 1252.
Molecular consequence: frameshift variant. On other transcripts: non-coding transcript variant (1).
Genome position (GRCh38, 1-based): chr9:742,263, G deleted; the last of 3 consecutive G bases (chr9:742,261-742,263); deleting any one gives the same sequence. VCF-style (leftmost placement, unchanged base first): chr9-742260-AG-A. GRCh37 (hg19) VCF-style: chr9-742260-AG-A.
Other names: c.3755del, p.Gly1252fs (NM_001256876.3, NM_001256877.3, NM_001354334.2); c.3515del, p.Gly1172fs (NM_001354331.2); c.3701del, p.Gly1234fs (NM_001354332.2); c.3281del, p.Gly1094fs (NM_001354333.2, NM_001354335.2, NM_001354337.2 and 2 more transcripts); c.2987del, p.Gly996fs (NM_001354336.2); c.3227del, p.Gly1076fs (NM_001354338.2, NM_001354340.2, NM_001354344.2); c.3041del, p.Gly1014fs (NM_001354339.2, NM_001354342.2, NM_001354343.2); short protein forms G1014fs, G1076fs, G1094fs, G1172fs, G1234fs, G1252fs, G996fs.
Identifiers: ClinVar variation 1701558 (VCV001701558.31), dbSNP rs2132275588, ClinGen allele CA2580080179.